The following is an entry in ClinVar:

ClinVar aggregate classification (germline): Uncertain significance (1 of 4 stars; one submission).

Conditions:
Ehlers-Danlos syndrome, classic type, 1 (EDSCL1). Also called: EHLERS-DANLOS SYNDROME, GRAVIS TYPE; EHLERS-DANLOS SYNDROME, SEVERE CLASSIC TYPE; Ehlers-Danlos syndrome, type 1; Ehlers-Danlos Syndrome, Classic Type, COL5A1-Related; EDS I. Identifiers: MedGen C0268335, MONDO:0019567, OMIM 130000.

Submission:

Labcorp Genetics (formerly Invitae), Labcorp
Classification: Uncertain significance for Ehlers-Danlos syndrome, classic type, 1. Last evaluated: 2025-02-10. Review status: criteria provided, single submitter. Criteria: Invitae Variant Classification Sherloc (09022015). Collection method: clinical testing. Allele origin: germline.
Comment: This sequence change replaces glycine, which is neutral and non-polar, with serine, which is neutral and polar, at codon 663 of the COL5A2 protein (p.Gly663Ser). This variant is not present in population databases (gnomAD no frequency). This variant has not been reported in the literature in individuals affected with COL5A2-related conditions. Invitae Evidence Modeling of protein sequence and biophysical properties (such as structural, functional, and spatial information, amino acid conservation, physicochemical variation, residue mobility, and thermodynamic stability) indicates that this missense variant is expected to disrupt COL5A2 protein function with a positive predictive value of 80%. In summary, the available evidence is currently insufficient to determine the role of this variant in disease. Therefore, it has been classified as a Variant of Uncertain Significance.

NM_000393.5(COL5A2):c.1987G>A (p.Gly663Ser)

Gene: COL5A2 (collagen type V alpha 2 chain; minus strand). Cytogenetic location: 2q32.2.
Variant type: single nucleotide variant.
Coding change: c.1987G>A on transcript NM_000393.5 (MANE Select); coding-DNA position 1987, G replaced by A.
Protein change: p.Gly663Ser; replaces glycine 663 with serine.
Molecular consequence: missense variant.
Genome position (GRCh38, 1-based): chr2:189,061,606, C>T on the plus strand (G>A on the coding strand, the complement: COL5A2 is on the minus strand). VCF-style: chr2-189061606-C-T. GRCh37 (hg19) VCF-style: chr2-189926332-C-T.
Other names: short protein forms G663S.
Identifiers: ClinVar variation 4742556 (VCV004742556.1).